The following is an entry in ClinVar:

ClinVar aggregate classification (germline): Pathogenic. Review status: reviewed by expert panel (3 of 4 stars). 8 submissions from 8 submitters: Pathogenic (1). 7 of the submissions do not count toward it. Last evaluated 2016-09-08.

Conditions:
BRCA1-related disorder. Also called: BRCA1-related condition.
Hereditary cancer-predisposing syndrome. Also called: Tumor predisposition; Hereditary neoplastic syndrome; Hereditary Cancer Syndrome; Neoplastic Syndromes, Hereditary. Identifiers: Orphanet 140162, MedGen C0027672, MeSH D009386, MONDO:0015356.
Hereditary breast ovarian cancer syndrome. Also called: Hereditary breast and/or ovarian cancer syndrome; Breast and ovarian cancer; Hereditary breast and ovarian cancer syndrome; Hereditary breast and ovarian cancer; Hereditary breast and ovarian cancer syndrome (HBOC); BRCA1- and BRCA2-Associated Hereditary Breast and Ovarian Cancer. Identifiers: Orphanet 145, MedGen C0677776, MeSH D061325, MONDO:0003582. Disease mechanism: loss of function.
Breast-ovarian cancer, familial, susceptibility to, 1 (BROVCA1). Also called: BRCA1 Hereditary Breast and Ovarian Cancer; OVARIAN CANCER, SUSCEPTIBILITY TO. Identifiers: Orphanet 145, MedGen C2676676, MONDO:0011450, OMIM 604370. Disease mechanism: loss of function.

Submissions (8):

Evidence-based Network for the Interpretation of Germline Mutant Alleles (ENIGMA)
Classification: Pathogenic for Breast-ovarian cancer, familial, susceptibility to, 1. Last evaluated: 2016-09-08. Review status: reviewed by expert panel. Criteria: ENIGMA BRCA1/2 Classification Criteria (2015). Collection method: curation. Allele origin: germline.
Comment: Variant allele predicted to encode a truncated non-functional protein.

Labcorp Genetics (formerly Invitae), Labcorp
Classification: Pathogenic for Hereditary breast ovarian cancer syndrome. Last evaluated: 2026-02-03. Review status: criteria provided, single submitter. Criteria: Invitae Variant Classification Sherloc (09022015). Collection method: clinical testing. Allele origin: germline. Not counted in ClinVar's aggregate classification.
Comment: This sequence change creates a premature translational stop signal (p.Leu999*) in the BRCA1 gene. It is expected to result in an absent or disrupted protein product. Loss-of-function variants in BRCA1 are known to be pathogenic (PMID: 20104584). Information on the frequency of this variant in the gnomAD database is not available, as this variant may be reported differently in the database. This premature translational stop signal has been observed in individual(s) with breast cancer or referred for cancer gene panel testing (PMID: 26681312, 28056804). ClinVar contains an entry for this variant (Variation ID: 125597). For these reasons, this variant has been classified as Pathogenic.

PreventionGenetics, part of Exact Sciences
Classification: Pathogenic for BRCA1-related condition. Last evaluated: 2023-05-12. Review status: criteria provided, single submitter. Criteria: ACMG Guidelines, 2015. Collection method: clinical testing. Allele origin: germline. Not counted in ClinVar's aggregate classification.
Comment: The BRCA1 c.2995_2996delinsTA variant is predicted to result in premature protein termination (p.Leu999*). This variant was documented in an individual referred for germline cancer testing (Table S1, Susswein et al. 2016. PubMed ID: 26681312). This variant has not been reported in a large population database, indicating this variant is rare. This variant is interpreted as pathogenic in ClinVar. Nonsense variants in BRCA1 are expected to be pathogenic. This variant is interpreted as pathogenic.

Quest Diagnostics Nichols Institute San Juan Capistrano
Classification: Pathogenic. Last evaluated: 2023-01-27. Review status: criteria provided, single submitter. Criteria: Quest Diagnostics criteria. Collection method: clinical testing. Allele origin: unknown. Not counted in ClinVar's aggregate classification.
Comment: This frameshift variant alters the translational reading frame of the BRCA1 mRNA and causes the premature termination of BRCA1 protein synthesis. It has not been reported in large, multi-ethnic general populations. In the published literature, the variant has been reported in a family with hereditary breast/ovarian cancer (PMID: 31209999 (2019)). The variant has also been reported in an individual undergoing hereditary cancer panel testing (PMID: 26681312 (2015)). Based on the available information, this variant is classified as pathogenic.

Ambry Genetics
Classification: Pathogenic for Hereditary cancer-predisposing syndrome. Last evaluated: 2018-05-31. Review status: criteria provided, single submitter. Criteria: Ambry Variant Classification Scheme 2023. Collection method: clinical testing. Allele origin: germline. Not counted in ClinVar's aggregate classification.
Comment: The c.2995_2996delCTinsTA pathogenic mutation (also known as p.L999*), located in coding exon 9 of the BRCA1 gene, results from an in-frame deletion of CT and insertion of TA between nucleotide positions 2995 and 2996. This changes the amino acid from a leucine to a stop codon at amino acid 999 within coding exon 9. This alteration was identified in 1/10030 consecutive patients referred for evaluation by an NGS hereditary cancer panel (Susswein LR et al. Genet Med. 2016 Aug;18(8):823-32). In addition to the clinical data presented in the literature, this alteration is expected to result in loss of function by premature protein truncation or nonsense-mediated mRNA decay. As such, this alteration is interpreted as a disease-causing mutation.

Consortium of Investigators of Modifiers of BRCA1/2 (CIMBA), c/o University of Cambridge
Classification: Pathogenic for Breast-ovarian cancer, familial, susceptibility to, 1. Last evaluated: 2015-10-02. Review status: criteria provided, single submitter. Criteria: CIMBA Mutation Classification guidelines May 2016. Collection method: clinical testing. Allele origin: germline. Not counted in ClinVar's aggregate classification.

GeneDx
Classification: Pathogenic. Last evaluated: 2014-08-12. Review status: criteria provided, single submitter. Criteria: GeneDx Variant Classification (06012015). Collection method: clinical testing. Allele origin: germline. Affected: yes. Not counted in ClinVar's aggregate classification.
Comment: This pathogenic variant is denoted BRCA1 c.2995_2996delCTinsTA (CTA>TAA) at the cDNA level and p.Leu999Ter (L999X) at the protein level. The normal sequence, with the bases that are deleted and inserted in brackets, is TCTG[delCTinsTA]AGAG. The deletion and insertion creates a nonsense variant, which changes a Leucine to a premature stop codon. Although this variant has not, to our knowledge, been previously reported, it is predicted to cause loss of normal protein function through either protein truncation or nonsense-mediated mRNA decay, and is considered pathogenic.

Breast Cancer Information Core (BIC) (BRCA1)
Classification: Pathogenic for Breast-ovarian cancer, familial 1. Last evaluated: 2002-05-29. Review status: no assertion criteria provided. Collection method: clinical testing. Allele origin: germline. Affected: yes. Observed: 1 variant allele. Not counted in ClinVar's aggregate classification.

Literature cited by the submitters: PubMed 20104584 (cited by Labcorp Genetics (formerly Invitae), Labcorp); PubMed 26681312 (cited by Labcorp Genetics (formerly Invitae), Labcorp and Quest Diagnostics Nichols Institute San Juan Capistrano); PubMed 28056804 (cited by Labcorp Genetics (formerly Invitae), Labcorp); PubMed 31209999 (cited by Quest Diagnostics Nichols Institute San Juan Capistrano).

NM_007294.4(BRCA1):c.2995_2996delinsTA (p.Leu999Ter)

Gene: BRCA1 (BRCA1 DNA repair associated; minus strand). Cytogenetic location: 17q21.31.
Variant type: Indel.
Coding change: c.2995_2996delinsTA on transcript NM_007294.4 (MANE Select); coding-DNA positions 2995 to 2996, CT replaced by TA.
Protein change: p.Leu999Ter; replaces leucine 999 with a stop codon.
Molecular consequence: nonsense. On other transcripts: intron variant (137).
Genome position (GRCh38, 1-based): chr17:43,092,535-43,092,536, AG replaced by TA on the plus strand (CT replaced by TA on the coding strand, the reverse complement: BRCA1 is on the minus strand). VCF-style: chr17-43092535-AG-TA. GRCh37 (hg19) VCF-style: chr17-41244552-AG-TA.
Other names: p.L999X:CTA>TAA; c.2782_2783delinsTA, p.Leu928Ter (NM_001407571.1, NM_001407895.1, NM_001407896.1 and 9 more transcripts); c.2995_2996delinsTA, p.Leu999Ter (NM_001407581.1, NM_001407582.1, NM_001407583.1 and 30 more transcripts); c.2992_2993delinsTA, p.Leu998Ter (NM_001407587.1, NM_001407590.1, NM_001407591.1 and 22 more transcripts); c.2917_2918delinsTA, p.Leu973Ter (NM_001407653.1, NM_001407654.1, NM_001407655.1 and 4 more transcripts); c.2914_2915delinsTA, p.Leu972Ter (NM_001407659.1, NM_001407660.1, NM_001407661.1 and 1 more transcripts); c.2869_2870delinsTA, p.Leu957Ter (NM_001407670.1, NM_001407671.1, NM_001407672.1 and 11 more transcripts); c.2872_2873delinsTA, p.Leu958Ter (NM_001407674.1, NM_001407675.1, NM_001407676.1 and 19 more transcripts); and 42 more; short protein forms L999*, L952*, L871*, L928*, L932*, L972*, L998*, L703*.
Identifiers: ClinVar variation 125597 (VCV000125597.13), dbSNP rs273899692, ClinGen allele CA001945.